The following is an entry in ClinVar:

ClinVar aggregate classification (germline): Uncertain significance (1 of 4 stars; one submission).

Conditions:
Alstrom syndrome (ALMS). Identifiers: Orphanet 64, MedGen C0268425, MONDO:0008763, OMIM 203800.

Allele frequency attached by ClinVar (database versions not stated): gnomAD exomes below 0.00001.
gnomAD v4.1: 2 of 1,612,758 alleles (0.00012%); highest among the groups gnomAD compares: African/African-American, 0.0013%; no homozygotes.

Submission:

Labcorp Genetics (formerly Invitae), Labcorp
Classification: Uncertain significance for Alstrom syndrome. Last evaluated: 2022-08-18. Review status: criteria provided, single submitter. Criteria: Invitae Variant Classification Sherloc (09022015). Collection method: clinical testing. Allele origin: germline.
Comment: This variant is present in population databases (no rsID available, gnomAD 0.007%). This variant has not been reported in the literature in individuals affected with ALMS1-related conditions. ClinVar contains an entry for this variant (Variation ID: 1394836). Experimental studies and prediction algorithms are not available or were not evaluated, and the functional significance of this variant is currently unknown. In summary, the available evidence is currently insufficient to determine the role of this variant in disease. Therefore, it has been classified as a Variant of Uncertain Significance. This sequence change replaces threonine, which is neutral and polar, with alanine, which is neutral and non-polar, at codon 1285 of the ALMS1 protein (p.Thr1285Ala).

NM_001378454.1(ALMS1):c.3850A>G (p.Thr1284Ala)

Gene: ALMS1 (ALMS1 centrosome and basal body associated protein; plus strand). Cytogenetic location: 2p13.1.
Variant type: single nucleotide variant.
Coding change: c.3850A>G on transcript NM_001378454.1 (MANE Select); coding-DNA position 3850, A replaced by G.
Protein change: p.Thr1284Ala; replaces threonine 1284 with alanine.
Molecular consequence: missense variant.
Genome position (GRCh38, 1-based): chr2:73,450,377, A>G. VCF-style: chr2-73450377-A-G. GRCh37 (hg19) VCF-style: chr2-73677504-A-G.
Other names: c.3853A>G, p.Thr1285Ala (NM_015120.4); short protein forms T1284A, T1285A.
Identifiers: ClinVar variation 1394836 (VCV001394836.6), dbSNP rs1366506910, ClinGen allele CA347276921.